The following is an entry in ClinVar:

NM_031955.6(SPATA16):c.440G>A (p.Gly147Glu)

Gene: SPATA16 (spermatogenesis associated 16; minus strand). Cytogenetic location: 3q26.31.
Variant type: single nucleotide variant.
Coding change: c.440G>A on transcript NM_031955.6 (MANE Select); coding-DNA position 440, G replaced by A.
Protein change: p.Gly147Glu; replaces glycine 147 with glutamic acid.
Molecular consequence: missense variant.
Genome position (GRCh38, 1-based): chr3:173,117,292, C>T on the plus strand (G>A on the coding strand, the complement: SPATA16 is on the minus strand). VCF-style: chr3-173117292-C-T. GRCh37 (hg19) VCF-style: chr3-172835082-C-T.
Other names: short protein forms G147E.
Identifiers: ClinVar variation 344219 (VCV000344219.7), dbSNP rs16846616, ClinGen allele CA2708348.

ClinVar aggregate classification (germline): Benign. Review status: criteria provided, multiple submitters, no conflicts (2 of 4 stars). 3 submissions from 3 submitters: Benign (3). Last evaluated 2021-06-09.

Conditions:
Spermatogenic failure 6 (SPGF6). Also called: ROUND-HEADED SPERMATOZOA; ACROSOME MALFORMATION OF SPERMATOZOA. Identifiers: Orphanet 171709, MedGen C4225503, MONDO:0007060, OMIM 102530.

Allele frequency attached by ClinVar (database versions not stated): ESP Exome Variant Server 0.09296; gnomAD 0.09632 and 0.10116; TOPMed 0.10805; gnomAD exomes 0.11942 and 0.13093; ExAC 0.12871; 1000 Genomes Project 0.13698; 1000 Genomes Project 30x 0.13773.
gnomAD v4.1: 190,166 of 1,613,978 alleles (12%); highest among the groups gnomAD compares: East Asian, 32%; 12,919 homozygotes.

Submissions (3):

GeneDx
Classification: Benign. Last evaluated: 2021-06-09. Review status: criteria provided, single submitter. Criteria: GeneDx Variant Classification Process June 2021. Collection method: clinical testing. Allele origin: germline. Affected: yes.

Illumina Laboratory Services, Illumina
Classification: Benign for Spermatogenic failure 6. Last evaluated: 2018-01-12. Review status: criteria provided, single submitter. Criteria: ICSL Variant Classification Criteria 13 December 2019. Collection method: clinical testing. Allele origin: germline.
Comment: This variant was observed in the ICSL laboratory as part of a predisposition screen in an ostensibly healthy population. It had not been previously curated by ICSL or reported in the Human Gene Mutation Database (HGMD: prior to June 1st, 2018), and was therefore a candidate for classification through an automated scoring system. Utilizing variant allele frequency, disease prevalence and penetrance estimates, and inheritance mode, an automated score was calculated to assess if this variant is too frequent to cause the disease. Based on the score and internal cut-off values, a variant classified as benign is not then subjected to further curation. The score for this variant resulted in a classification of benign for this disease.

Breakthrough Genomics
Classification: Benign. Review status: criteria provided, single submitter. Criteria: ACMG Guidelines, 2015. Collection method: not provided. Allele origin: germline. Inheritance: Autosomal recessive inheritance. Affected: yes.